The following is an entry in ClinVar:

NM_181712.5(KANK4):c.2231+5G>A

Gene: KANK4 (KN motif and ankyrin repeat domains 4; minus strand). Cytogenetic location: 1p31.3.
Variant type: single nucleotide variant.
Coding change: c.2231+5G>A on transcript NM_181712.5 (MANE Select); 5 bases into the intron after coding-DNA position 2231, G replaced by A.
Molecular consequence: intron variant.
Genome position (GRCh38, 1-based): chr1:62,268,282, C>T on the plus strand (G>A on the coding strand, the complement: KANK4 is on the minus strand). VCF-style: chr1-62268282-C-T. GRCh37 (hg19) VCF-style: chr1-62733954-C-T.
Other names: c.347+5G>A (NM_001320269.2).
Identifiers: ClinVar variation 4762427 (VCV004762427.1).

ClinVar aggregate classification (germline): Uncertain significance (1 of 4 stars; one submission).

gnomAD v4.1: 2 of 1,612,126 alleles (0.00012%); highest among the groups gnomAD compares: African/African-American, 0.0027%; no homozygotes.

Submission:

Labcorp Genetics (formerly Invitae), Labcorp
Classification: Uncertain significance. Last evaluated: 2025-04-17. Review status: criteria provided, single submitter. Criteria: Invitae Variant Classification Sherloc (09022015). Collection method: clinical testing. Allele origin: germline.
Comment: This sequence change falls in intron 5 of the KANK4 gene. It does not directly change the encoded amino acid sequence of the KANK4 protein. It affects a nucleotide within the consensus splice site. This variant is not present in population databases (gnomAD no frequency). This variant has not been reported in the literature in individuals affected with KANK4-related conditions. Variants that disrupt the consensus splice site are a relatively common cause of aberrant splicing (PMID: 17576681, 9536098). Algorithms developed to predict the effect of sequence changes on RNA splicing suggest that this variant may disrupt the consensus splice site. In summary, the available evidence is currently insufficient to determine the role of this variant in disease. Therefore, it has been classified as a Variant of Uncertain Significance.

Literature cited by the submitters: PubMed 17576681; PubMed 9536098.